The following is an entry in ClinVar:

ClinVar aggregate classification (germline): Uncertain significance (1 of 4 stars; one submission).

Conditions:
Multiple acyl-CoA dehydrogenase deficiency (MADD). Also called: Glutaric Acidemia type 2; ETHYLMALONIC-ADIPICACIDURIA; GA II; Glutaric aciduria, type 2; Glutaric acidemia type II; GA 2. Identifiers: Orphanet 26791, MedGen C0268596, MONDO:0009282, OMIM 231680.

Submission:

Labcorp Genetics (formerly Invitae), Labcorp
Classification: Uncertain significance for Multiple acyl-CoA dehydrogenase deficiency. Last evaluated: 2022-07-03. Review status: criteria provided, single submitter. Criteria: Invitae Variant Classification Sherloc (09022015). Collection method: clinical testing. Allele origin: germline.
Comment: In summary, the available evidence is currently insufficient to determine the role of this variant in disease. Therefore, it has been classified as a Variant of Uncertain Significance. Advanced modeling of protein sequence and biophysical properties (such as structural, functional, and spatial information, amino acid conservation, physicochemical variation, residue mobility, and thermodynamic stability) performed at Invitae indicates that this missense variant is not expected to disrupt ETFDH protein function. This variant has not been reported in the literature in individuals affected with ETFDH-related conditions. This variant is not present in population databases (gnomAD no frequency). This sequence change replaces serine, which is neutral and polar, with phenylalanine, which is neutral and non-polar, at codon 491 of the ETFDH protein (p.Ser491Phe).

NM_004453.4(ETFDH):c.1472C>T (p.Ser491Phe)

Gene: ETFDH (electron transfer flavoprotein dehydrogenase; plus strand). Cytogenetic location: 4q32.1.
Variant type: single nucleotide variant.
Coding change: c.1472C>T on transcript NM_004453.4 (MANE Select); coding-DNA position 1472, C replaced by T.
Protein change: p.Ser491Phe; replaces serine 491 with phenylalanine.
Molecular consequence: missense variant.
Genome position (GRCh38, 1-based): chr4:158,706,632, C>T. VCF-style: chr4-158706632-C-T. GRCh37 (hg19) VCF-style: chr4-159627784-C-T.
Other names: c.1331C>T, p.Ser444Phe (NM_001281737.2); c.1289C>T, p.Ser430Phe (NM_001281738.1); short protein forms S444F, S491F, S430F.
Identifiers: ClinVar variation 2013822 (VCV002013822.4), dbSNP rs2476734767, ClinGen allele CA358564677.
Genomic context (GRCh38, chr4:158,706,632, plus strand): 5'-AAGAAAAAGTACTTCAAAATCATATTTTGTTAAGCATTTCCCTCAAAATTGTTGAAGGTT[C>T]TGACTTTGAACGGCTCAAGCCAGCCAAGGATTGCACACCTATTGAGTATCCAAAACCCGA-3'
Protein context (NP_004444.2, residues 481-501): MEPWTLKHKG[Ser491Phe]DFERLKPAKD